The following is an entry in ClinVar:

NM_005633.4(SOS1):c.87+12G>T

Genes: SOS1 (SOS Ras/Rac guanine nucleotide exchange factor 1; minus strand), LOC129933535 (ATAC-STARR-seq lymphoblastoid silent region 11384; plus strand). Cytogenetic location: 2p22.1.
Variant type: single nucleotide variant.
Coding change: c.87+12G>T on transcript NM_005633.4 (MANE Select); 12 bases into the intron after coding-DNA position 87, G replaced by T.
Molecular consequence: intron variant.
Genome position (GRCh38, 1-based): chr2:39,120,324, C>A on the plus strand (G>T on the coding strand, the complement: SOS1 is on the minus strand). VCF-style: chr2-39120324-C-A. GRCh37 (hg19) VCF-style: chr2-39347465-C-A.
Other names: c.66+4340G>T (NM_001382394.1); c.87+12G>T (NM_001382395.1).
Identifiers: ClinVar variation 227957 (VCV000227957.15), dbSNP rs368569135, ClinGen allele CA10576595.

ClinVar aggregate classification (germline): Likely benign. Review status: criteria provided, multiple submitters, no conflicts (2 of 4 stars). 5 submissions from 4 submitters: Likely benign (5). Last evaluated 2025-11-21.

Conditions:
RASopathy. Also called: rasopathies; Noonan spectrum disorder. Identifiers: Orphanet 536391, MedGen C5555857, MONDO:0021060.
Noonan syndrome 4 (NS4). Also called: NOONAN SYNDROME WITH PIGMENTED VILLONODULAR SYNOVITIS; SOS1-Related Noonan Syndrome. Identifiers: Orphanet 648, MedGen C1853120, MONDO:0012547, OMIM 610733.
Fibromatosis, gingival, 1 (GINGF1). Identifiers: Orphanet 2024, MedGen C4551558, MONDO:0007609, OMIM 135300.

Allele frequency attached by ClinVar (database versions not stated): gnomAD exomes below 0.00001; gnomAD 0.00002; TOPMed 0.00003; ESP Exome Variant Server 0.00008.
gnomAD v4.1: 9 of 1,569,084 alleles (0.00057%); highest among the groups gnomAD compares: African/African-American, 0.0014%; no homozygotes.

Submissions (5):

Labcorp Genetics (formerly Invitae), Labcorp
Classification: Likely benign for RASopathy. Last evaluated: 2025-11-21. Review status: criteria provided, single submitter. Criteria: Invitae Variant Classification Sherloc (09022015). Collection method: clinical testing. Allele origin: germline.

Blueprint Genetics
Classification: Likely benign. Last evaluated: 2024-11-05. Review status: criteria provided, single submitter. Criteria: ACMG Guidelines, 2015. Collection method: clinical testing. Allele origin: germline.

Laboratory for Molecular Medicine, Mass General Brigham Personalized Medicine
Classification: Likely benign. Last evaluated: 2015-06-26. Review status: criteria provided, single submitter. Criteria: LMM Criteria. Collection method: clinical testing. Allele origin: germline. Observed: 1 variant allele.
Comment: c.87+12G>T in intron 1 of SOS1: This variant is not expected to have clinical si gnificance because it is not located within the conserved splice consensus seque nce and splice variants are not a known cause of Noonan syndrome.

Genome-Nilou Lab
Classification: Likely benign for Noonan syndrome 4. Review status: criteria provided, single submitter. Criteria: ACMG Guidelines, 2015. Collection method: clinical testing. Allele origin: germline.

Genome-Nilou Lab
Classification: Likely benign for Fibromatosis, gingival, 1. Review status: criteria provided, single submitter. Criteria: ACMG Guidelines, 2015. Collection method: clinical testing. Allele origin: germline.